The following is an entry in ClinVar:

ClinVar aggregate classification (germline): Uncertain significance. Review status: criteria provided, multiple submitters, no conflicts (2 of 4 stars). 2 submissions from 2 submitters: Uncertain significance (2). Last evaluated 2025-02-05.

Allele frequency attached by ClinVar (database versions not stated): gnomAD exomes 0.00007; TOPMed 0.00003; ExAC 0.00005; gnomAD 0.00005.
gnomAD v4.1: 107 of 1,606,766 alleles (0.0067%); highest among the groups gnomAD compares: Non-Finnish European, 0.0086%; no homozygotes.

Submissions (2):

GeneDx
Classification: Uncertain significance. Last evaluated: 2025-02-05. Review status: criteria provided, single submitter. Criteria: GeneDx Variant Classification Process June 2021. Collection method: clinical testing. Allele origin: germline. Affected: yes.
Comment: In silico analysis supports that this missense variant has a deleterious effect on protein structure/function; Has not been previously published as pathogenic or benign to our knowledge

Labcorp Genetics (formerly Invitae), Labcorp
Classification: Uncertain significance. Last evaluated: 2022-03-09. Review status: criteria provided, single submitter. Criteria: Invitae Variant Classification Sherloc (09022015). Collection method: clinical testing. Allele origin: germline.
Comment: This sequence change replaces alanine, which is neutral and non-polar, with valine, which is neutral and non-polar, at codon 252 of the SYNE4 protein (p.Ala252Val). This variant is present in population databases (rs767454410, gnomAD 0.009%). This variant has not been reported in the literature in individuals affected with SYNE4-related conditions. Algorithms developed to predict the effect of missense changes on protein structure and function are either unavailable or do not agree on the potential impact of this missense change (SIFT: "Deleterious"; PolyPhen-2: "Probably Damaging"; Align-GVGD: "Class C0"). Algorithms developed to predict the effect of sequence changes on RNA splicing suggest that this variant may create or strengthen a splice site. In summary, the available evidence is currently insufficient to determine the role of this variant in disease. Therefore, it has been classified as a Variant of Uncertain Significance.

NM_001039876.3(SYNE4):c.755C>T (p.Ala252Val)

Gene: SYNE4 (spectrin repeat containing nuclear envelope family member 4; minus strand). Cytogenetic location: 19q13.12.
Variant type: single nucleotide variant.
Coding change: c.755C>T on transcript NM_001039876.3 (MANE Select); coding-DNA position 755, C replaced by T.
Protein change: p.Ala252Val; replaces alanine 252 with valine.
Molecular consequence: missense variant.
Genome position (GRCh38, 1-based): chr19:36,006,535, G>A on the plus strand (C>T on the coding strand, the complement: SYNE4 is on the minus strand). VCF-style: chr19-36006535-G-A. GRCh37 (hg19) VCF-style: chr19-36497437-G-A.
Other names: c.416C>T, p.Ala139Val (NM_001297735.3); c.755C>T (NM_001039876.2); short protein forms A139V, A252V.
Identifiers: ClinVar variation 2178527 (VCV002178527.2), dbSNP rs767454410, ClinGen allele CA9393860.